The following is an entry in ClinVar:

NM_000368.5(TSC1):c.2446A>G (p.Lys816Glu)

Gene: TSC1 (TSC complex subunit 1; minus strand). Cytogenetic location: 9q34.13.
Variant type: single nucleotide variant.
Coding change: c.2446A>G on transcript NM_000368.5 (MANE Select); coding-DNA position 2446, A replaced by G.
Protein change: p.Lys816Glu; replaces lysine 816 with glutamic acid.
Molecular consequence: missense variant. On other transcripts: non-coding transcript variant (5).
Genome position (GRCh38, 1-based): chr9:132,901,645, T>C on the plus strand (A>G on the coding strand, the complement: TSC1 is on the minus strand). VCF-style: chr9-132901645-T-C. GRCh37 (hg19) VCF-style: chr9-135777032-T-C.
Other names: c.2446A>G, p.Lys816Glu (NM_001406594.1, NM_001406595.1, NM_001406596.1 and 5 more transcripts); c.2443A>G, p.Lys815Glu (NM_001406597.1, NM_001406598.1, NM_001406599.1 and 4 more transcripts); c.2431A>G, p.Lys811Glu (NM_001406601.1, NM_001406602.1); c.2428A>G, p.Lys810Glu (NM_001406603.1, NM_001406604.1); c.2293A>G, p.Lys765Glu (NM_001406610.1, NM_001162427.2); c.2290A>G, p.Lys764Glu (NM_001406611.1, NM_001406612.1, NM_001406613.1); c.2083A>G, p.Lys695Glu (NM_001406614.1, NM_001406615.1, NM_001406616.1 and 5 more transcripts); c.2080A>G, p.Lys694Glu (NM_001406620.1, NM_001406621.1, NM_001406622.1 and 2 more transcripts); and 3 more; short protein forms K465E, K498E, K694E, K811E, K815E, K810E, K816E, K499E.
Identifiers: ClinVar variation 4554262 (VCV004554262.1).

ClinVar aggregate classification (germline): Uncertain significance (1 of 4 stars; one submission).

Conditions:
Hereditary cancer-predisposing syndrome. Also called: Tumor predisposition; Hereditary Cancer Syndrome; Hereditary neoplastic syndrome; Neoplastic Syndromes, Hereditary. Identifiers: Orphanet 140162, MedGen C0027672, MeSH D009386, MONDO:0015356.

Submission:

Ambry Genetics
Classification: Uncertain significance for Hereditary cancer-predisposing syndrome. Last evaluated: 2025-10-14. Review status: criteria provided, single submitter. Criteria: Ambry Variant Classification Scheme 2023. Collection method: clinical testing. Allele origin: germline.
Comment: The p.K816E variant (also known as c.2446A>G), located in coding exon 17 of the TSC1 gene, results from an A to G substitution at nucleotide position 2446. The lysine at codon 816 is replaced by glutamic acid, an amino acid with similar properties. This amino acid position is conserved. In addition, the in silico prediction for this alteration is inconclusive. Based on the available evidence, the clinical significance of this variant remains unclear.